The following is an entry in ClinVar:

ClinVar aggregate classification (germline): Uncertain significance (1 of 4 stars; one submission).

Conditions:
Arrhythmogenic right ventricular dysplasia 9 (ARVD9). Also called: Arrhythmogenic Right Ventricular Dysplasia/Cardiomyopathy 9; ARRHYTHMOGENIC RIGHT VENTRICULAR DYSPLASIA, FAMILIAL, 9. Identifiers: MedGen C1836906, MONDO:0012180, OMIM 609040.

Submission:

Labcorp Genetics (formerly Invitae), Labcorp
Classification: Uncertain significance for Arrhythmogenic right ventricular dysplasia 9. Last evaluated: 2022-07-21. Review status: criteria provided, single submitter. Criteria: Invitae Variant Classification Sherloc (09022015). Collection method: clinical testing. Allele origin: germline.
Comment: In summary, the available evidence is currently insufficient to determine the role of this variant in disease. Therefore, it has been classified as a Variant of Uncertain Significance. Algorithms developed to predict the effect of missense changes on protein structure and function (SIFT, PolyPhen-2, Align-GVGD) all suggest that this variant is likely to be tolerated. This variant has not been reported in the literature in individuals affected with PKP2-related conditions. This variant is not present in population databases (gnomAD no frequency). This sequence change replaces glutamine, which is neutral and polar, with histidine, which is basic and polar, at codon 278 of the PKP2 protein (p.Gln278His).

NM_001005242.3(PKP2):c.834G>C (p.Gln278His)

Gene: PKP2 (plakophilin 2; minus strand). Cytogenetic location: 12p11.21.
Variant type: single nucleotide variant.
Coding change: c.834G>C on transcript NM_001005242.3 (MANE Select); coding-DNA position 834, G replaced by C.
Protein change: p.Gln278His; replaces glutamine 278 with histidine.
Molecular consequence: missense variant.
Genome position (GRCh38, 1-based): chr12:32,878,046, C>G on the plus strand (G>C on the coding strand, the complement: PKP2 is on the minus strand). VCF-style: chr12-32878046-C-G. GRCh37 (hg19) VCF-style: chr12-33030980-C-G.
Other names: c.834G>C, p.Gln278His (NM_001407155.1, NM_001407156.1, NM_001407157.1 and 2 more transcripts); c.507G>C, p.Gln169His (NM_001407158.1, NM_001407159.1, NM_001407160.1 and 1 more transcripts); short protein forms Q169H, Q278H.
Identifiers: ClinVar variation 2147745 (VCV002147745.4), dbSNP rs1956949832, ClinGen allele CA384362218.